The following is an entry in ClinVar:

ClinVar aggregate classification (germline): Uncertain significance. Review status: criteria provided, single submitter (1 of 4 stars). 2 submissions from 2 submitters: Uncertain significance (1). 1 of the submissions does not count toward it. Last evaluated 2024-02-08.

Conditions:
L1CAM-related disorder. Also called: L1CAM-related condition.

gnomAD v4.1: 1 of 1,199,582 alleles (0.000083%); highest among the groups gnomAD compares: Non-Finnish European, 0.00011%; no homozygotes.

Submissions (2):

GeneDx
Classification: Uncertain significance. Last evaluated: 2024-02-08. Review status: criteria provided, single submitter. Criteria: GeneDx Variant Classification Process June 2021. Collection method: clinical testing. Allele origin: germline. Affected: yes.
Comment: Not observed at significant frequency in large population cohorts (gnomAD); In silico analysis supports that this missense variant has a deleterious effect on protein structure/function; Has not been previously published as pathogenic or benign to our knowledge; This variant is associated with the following publications: (PMID: 25641508)

PreventionGenetics, part of Exact Sciences
Classification: Uncertain significance for L1CAM-related condition. Last evaluated: 2024-07-18. Review status: no assertion criteria provided. Collection method: clinical testing. Allele origin: germline. Not counted in ClinVar's aggregate classification.
Comment: The L1CAM c.2539G>A variant is predicted to result in the amino acid substitution p.Gly847Arg. To our knowledge, this variant has not been reported in the literature or in a large population database, indicating this variant is rare. At this time, the clinical significance of this variant is uncertain due to the absence of conclusive functional and genetic evidence.

NM_001278116.2(L1CAM):c.2539G>A (p.Gly847Arg)

Gene: L1CAM (L1 cell adhesion molecule; minus strand). Cytogenetic location: Xq28.
Variant type: single nucleotide variant.
Coding change: c.2539G>A on transcript NM_001278116.2 (MANE Select); coding-DNA position 2539, G replaced by A.
Protein change: p.Gly847Arg; replaces glycine 847 with arginine.
Molecular consequence: missense variant.
Genome position (GRCh38, 1-based): chrX:153,865,712, C>T on the plus strand (G>A on the coding strand, the complement: L1CAM is on the minus strand). VCF-style: chrX-153865712-C-T. GRCh37 (hg19) VCF-style: chrX-153131167-C-T.
Other names: c.2539G>A, p.Gly847Arg (NM_000425.5, NM_024003.3); c.2524G>A, p.Gly842Arg (NM_001143963.2); c.2539G>A (NM_000425.4); short protein forms G842R, G847R.
Identifiers: ClinVar variation 1305404 (VCV001305404.4), dbSNP rs2148494337, ClinGen allele CA415116993.